The following is an entry in ClinVar:

ClinVar aggregate classification (germline): Benign. Review status: criteria provided, multiple submitters, no conflicts (2 of 4 stars). 2 submissions from 2 submitters: Benign (2). Last evaluated 2021-02-25.

Allele frequency attached by ClinVar (database versions not stated): gnomAD exomes 0.00644 and 0.01599; ExAC 0.01915; gnomAD 0.05874 and 0.06337; 1000 Genomes Project 0.06330; ESP Exome Variant Server 0.06405; TOPMed 0.06623; 1000 Genomes Project 30x 0.06683.
gnomAD v4.1: 18,916 of 1,613,088 alleles (1.2%); highest among the groups gnomAD compares: African/African-American, 20%; 1,668 homozygotes.

Submissions (2):

GeneDx
Classification: Benign. Last evaluated: 2021-02-25. Review status: criteria provided, single submitter. Criteria: GeneDx Variant Classification Process June 2021. Collection method: clinical testing. Allele origin: germline. Affected: yes.
Comment: This variant is associated with the following publications: (PMID: 28171541)

Breakthrough Genomics
Classification: Benign. Review status: criteria provided, single submitter. Criteria: ACMG Guidelines, 2015. Collection method: not provided. Allele origin: germline. Inheritance: Autosomal dominant inheritance. Affected: yes.

NM_004176.5(SREBF1):c.1666T>C (p.Leu556=)

Gene: SREBF1 (sterol regulatory element binding transcription factor 1; minus strand). Cytogenetic location: 17p11.2.
Variant type: single nucleotide variant.
Coding change: c.1666T>C on transcript NM_004176.5 (MANE Select); coding-DNA position 1666, T replaced by C.
Protein change: p.Leu556=; no amino-acid change (leucine 556 retained).
Molecular consequence: synonymous variant. On other transcripts: non-coding transcript variant (4), intron variant (1).
Genome position (GRCh38, 1-based): chr17:17,817,077, A>G on the plus strand (T>C on the coding strand, the complement: SREBF1 is on the minus strand). VCF-style: chr17-17817077-A-G. GRCh37 (hg19) VCF-style: chr17-17720391-A-G.
Other names: c.1756T>C, p.Leu586= (NM_001005291.3); c.1594T>C, p.Leu532= (NM_001321096.3); c.1666T>C, p.Leu556= (NM_001388385.1, NM_001388386.1); c.1705T>C, p.Leu569= (NM_001388387.1); c.1621T>C, p.Leu541= (NM_001388388.1); c.1660T>C, p.Leu554= (NM_001388389.1); c.1648T>C, p.Leu550= (NM_001388390.1); c.1639T>C, p.Leu547= (NM_001388391.1); and 3 more.
Identifiers: ClinVar variation 1241707 (VCV001241707.3), dbSNP rs2229591, ClinGen allele CA8419908.